The following is an entry in ClinVar:

ClinVar aggregate classification (germline): Uncertain significance (1 of 4 stars; one submission).

Conditions:
Nance-Horan syndrome (NHS). Identifiers: Orphanet 627, MedGen C0796085, MONDO:0010545, OMIM 302350.

Allele frequency attached by ClinVar (database versions not stated): gnomAD 0.00001.

Submission:

Labcorp Genetics (formerly Invitae), Labcorp
Classification: Uncertain significance for Nance-Horan syndrome. Last evaluated: 2025-03-31. Review status: criteria provided, single submitter. Criteria: Invitae Variant Classification Sherloc (09022015). Collection method: clinical testing. Allele origin: germline.
Comment: This sequence change replaces aspartic acid, which is acidic and polar, with asparagine, which is neutral and polar, at codon 1228 of the NHS protein (p.Asp1228Asn). This variant is present in population databases (no rsID available, gnomAD 0.002%), including at least one homozygous and/or hemizygous individual. This variant has not been reported in the literature in individuals affected with NHS-related conditions. ClinVar contains an entry for this variant (Variation ID: 3004046). Invitae Evidence Modeling of protein sequence and biophysical properties (such as structural, functional, and spatial information, amino acid conservation, physicochemical variation, residue mobility, and thermodynamic stability) indicates that this missense variant is not expected to disrupt NHS protein function with a negative predictive value of 80%. In summary, the available evidence is currently insufficient to determine the role of this variant in disease. Therefore, it has been classified as a Variant of Uncertain Significance.

NM_001291867.2(NHS):c.3745G>A (p.Asp1249Asn)

Gene: NHS (NHS actin remodeling regulator; plus strand). Cytogenetic location: Xp22.13.
Variant type: single nucleotide variant.
Coding change: c.3745G>A on transcript NM_001291867.2 (MANE Select); coding-DNA position 3745, G replaced by A.
Protein change: p.Asp1249Asn; replaces aspartic acid 1249 with asparagine.
Molecular consequence: missense variant.
Genome position (GRCh38, 1-based): chrX:17,727,851, G>A. VCF-style: chrX-17727851-G-A. GRCh37 (hg19) VCF-style: chrX-17745971-G-A.
Other names: c.3214G>A, p.Asp1072Asn (NM_001136024.4); c.3151G>A, p.Asp1051Asn (NM_001291868.2); c.3682G>A, p.Asp1228Asn (NM_198270.4); short protein forms D1051N, D1228N, D1249N, D1072N.
Identifiers: ClinVar variation 3004046 (VCV003004046.3), dbSNP rs968065786, ClinGen allele CA326967930.